The following is an entry in ClinVar:

NM_014989.7(RIMS1):c.5020C>T (p.Arg1674Trp)

Gene: RIMS1 (regulating synaptic membrane exocytosis 1; plus strand). Cytogenetic location: 6q13.
Variant type: single nucleotide variant.
Coding change: c.5020C>T on transcript NM_014989.7 (MANE Select); coding-DNA position 5020, C replaced by T.
Protein change: p.Arg1674Trp; replaces arginine 1674 with tryptophan.
Molecular consequence: missense variant.
Genome position (GRCh38, 1-based): chr6:72,400,655, C>T. VCF-style: chr6-72400655-C-T. GRCh37 (hg19) VCF-style: chr6-73110357-C-T.
Other names: c.2980C>T, p.Arg994Trp (NM_001168407.2); c.2395C>T, p.Arg799Trp (NM_001168408.2, NM_001350430.2); c.2224C>T, p.Arg742Trp (NM_001168409.2); c.2422C>T, p.Arg808Trp (NM_001168410.2); c.601C>T, p.Arg201Trp (NM_001168411.2); c.2941C>T, p.Arg981Trp (NM_001350414.2); c.3037C>T, p.Arg1013Trp (NM_001350415.2); c.2986C>T, p.Arg996Trp (NM_001350416.2); and 54 more; short protein forms R1009W, R1013W, R1055W, R747W, R775W, R792W, R799W, R800W.
Identifiers: ClinVar variation 2868286 (VCV002868286.3), dbSNP rs773188454, ClinGen allele CA3886646.
Genomic context (GRCh38, chr6:72,400,655, plus strand): 5'-GGATGGTACAAATTGTTCCCACCGTCCTCACTGGTGGATCCCACACTCACTCCCCTCACC[C>T]GGCGGGCTTCCCAGTCATCTCTGGAAAGTTCAACTGGGCCTCCCTGTATTCGATCATAGT-3'
Protein context (NP_055804.2, residues 1664-1684): LVDPTLTPLT[Arg1674Trp]RASQSSLESS

ClinVar aggregate classification (germline): Uncertain significance (1 of 4 stars; one submission).

Allele frequency attached by ClinVar (database versions not stated): ExAC 0.00001; gnomAD exomes 0.00001; TOPMed 0.00002.

Submission:

Labcorp Genetics (formerly Invitae), Labcorp
Classification: Uncertain significance. Last evaluated: 2024-01-07. Review status: criteria provided, single submitter. Criteria: Invitae Variant Classification Sherloc (09022015). Collection method: clinical testing. Allele origin: germline.
Comment: This sequence change replaces arginine, which is basic and polar, with tryptophan, which is neutral and slightly polar, at codon 1674 of the RIMS1 protein (p.Arg1674Trp). This variant is present in population databases (rs773188454, gnomAD 0.003%). This variant has not been reported in the literature in individuals affected with RIMS1-related conditions. An algorithm developed to predict the effect of missense changes on protein structure and function (PolyPhen-2) suggests that this variant is likely to be disruptive. In summary, the available evidence is currently insufficient to determine the role of this variant in disease. Therefore, it has been classified as a Variant of Uncertain Significance.